The following is an entry in ClinVar:

NM_000038.6(APC):c.5849A>G (p.Lys1950Arg)

Gene: APC (APC regulator of Wnt signaling pathway; plus strand). Cytogenetic location: 5q22.2.
Variant type: single nucleotide variant.
Coding change: c.5849A>G on transcript NM_000038.6 (MANE Select); coding-DNA position 5849, A replaced by G.
Protein change: p.Lys1950Arg; replaces lysine 1950 with arginine.
Molecular consequence: missense variant.
Genome position (GRCh38, 1-based): chr5:112,841,443, A>G. VCF-style: chr5-112841443-A-G. GRCh37 (hg19) VCF-style: chr5-112177140-A-G.
Other names: c.5849A>G, p.Lys1950Arg (NM_001127510.3, NM_001354895.2); c.5795A>G, p.Lys1932Arg (NM_001127511.3); c.5903A>G, p.Lys1968Arg (NM_001354896.2); c.5879A>G, p.Lys1960Arg (NM_001354897.2); c.5774A>G, p.Lys1925Arg (NM_001354898.2); c.5765A>G, p.Lys1922Arg (NM_001354899.2); c.5726A>G, p.Lys1909Arg (NM_001354900.2); c.5672A>G, p.Lys1891Arg (NM_001354901.2); and 6 more; short protein forms K1909R, K1925R, K1932R, K1960R, K1667R, K1790R, K1824R, K1849R.
Identifiers: ClinVar variation 1482299 (VCV001482299.9), dbSNP rs2149950847, ClinGen allele CA16034125.

ClinVar aggregate classification (germline): Uncertain significance. Review status: criteria provided, multiple submitters, no conflicts (2 of 4 stars). 2 submissions from 2 submitters: Uncertain significance (2). Last evaluated 2026-05-06.

Conditions:
Hereditary cancer-predisposing syndrome. Also called: Tumor predisposition; Neoplastic Syndromes, Hereditary; Hereditary Cancer Syndrome; Hereditary neoplastic syndrome. Identifiers: Orphanet 140162, MedGen C0027672, MeSH D009386, MONDO:0015356.
Familial adenomatous polyposis 1 (FAP1). Also called: FAMILIAL ADENOMATOUS POLYPOSIS 1, ATTENUATED; POLYPOSIS, ADENOMATOUS INTESTINAL. Identifiers: MedGen C2713442, MONDO:0021056, OMIM 175100. Disease mechanism: loss of function.

Submissions (2):

Ambry Genetics
Classification: Uncertain significance for Hereditary cancer-predisposing syndrome. Last evaluated: 2026-05-06. Review status: criteria provided, single submitter. Criteria: Ambry Variant Classification Scheme 2023. Collection method: clinical testing. Allele origin: germline.
Comment: The p.K1950R variant (also known as c.5849A>G), located in coding exon 15 of the APC gene, results from an A to G substitution at nucleotide position 5849. The lysine at codon 1950 is replaced by arginine, an amino acid with highly similar properties. This amino acid position is highly conserved in available vertebrate species. In addition, in silico predictors for this gene do not accurately predict pathogenicity. Missense variants in APC are not a common cause of disease (Spier I et al. Genet Med. 2024 Feb;26(2):100992). Based on the available evidence, the clinical significance of this variant remains unclear.

Labcorp Genetics (formerly Invitae), Labcorp
Classification: Uncertain significance for Familial adenomatous polyposis 1. Last evaluated: 2021-05-07. Review status: criteria provided, single submitter. Criteria: Invitae Variant Classification Sherloc (09022015). Collection method: clinical testing. Allele origin: germline.
Comment: In summary, the available evidence is currently insufficient to determine the role of this variant in disease. Therefore, it has been classified as a Variant of Uncertain Significance. Algorithms developed to predict the effect of missense changes on protein structure and function are either unavailable or do not agree on the potential impact of this missense change (SIFT: "Deleterious"; PolyPhen-2: "Probably Damaging"; Align-GVGD: "Class C0"). This variant has not been reported in the literature in individuals with APC-related conditions. This variant is not present in population databases (ExAC no frequency). This sequence change replaces lysine with arginine at codon 1950 of the APC protein (p.Lys1950Arg). The lysine residue is highly conserved and there is a small physicochemical difference between lysine and arginine.